The following is an entry in ClinVar:

NC_000016.9:g.(?_84046586)_(84050912_?)dup

Gene: SLC38A8 (solute carrier family 38 member 8; minus strand). Cytogenetic location: 16q23.3.
Variant type: Duplication.
Identifiers: ClinVar variation 3243602 (VCV003243602.1).

ClinVar aggregate classification (germline): Likely pathogenic (1 of 4 stars; one submission).

Submission:

Labcorp Genetics (formerly Invitae), Labcorp
Classification: Likely pathogenic. Last evaluated: 2023-06-20. Review status: criteria provided, single submitter. Criteria: Invitae Variant Classification Sherloc (09022015). Collection method: clinical testing. Allele origin: unknown.
Comment: This variant results in a copy number gain of the genomic region encompassing exon(s) 7-9 of the SLC38A8 gene. While the exact position of this variant cannot be determined from the data, sub-genic copy number gains are generally in tandem (PMID: 25640679). This variant is predicted to be out-of-frame, and may result in an absent or disrupted protein product. Loss-of-function variants in SLC38A8 are known to be pathogenic (PMID: 24290379). This variant has not been reported in the literature in individuals affected with SLC38A8-related conditions. In summary, the currently available evidence indicates that the variant is pathogenic, but additional data are needed to prove that conclusively. Therefore, this variant has been classified as Likely Pathogenic.

Literature cited by the submitters: PubMed 25640679; PubMed 24290379.